The following is an entry in ClinVar:

NM_025099.6(CTC1):c.1028A>G (p.Lys343Arg)

Gene: CTC1 (CST telomere replication complex component 1; minus strand). Cytogenetic location: 17p13.1.
Variant type: single nucleotide variant.
Coding change: c.1028A>G on transcript NM_025099.6 (MANE Select); coding-DNA position 1028, A replaced by G.
Protein change: p.Lys343Arg; replaces lysine 343 with arginine.
Molecular consequence: missense variant. On other transcripts: non-coding transcript variant (1).
Genome position (GRCh38, 1-based): chr17:8,236,107, T>C on the plus strand (A>G on the coding strand, the complement: CTC1 is on the minus strand). VCF-style: chr17-8236107-T-C. GRCh37 (hg19) VCF-style: chr17-8139425-T-C.
Other names: c.1028A>G (NM_025099.5); short protein forms K343R.
Identifiers: ClinVar variation 1062972 (VCV001062972.6), dbSNP rs746477108, ClinGen allele CA8372495.

ClinVar aggregate classification (germline): Uncertain significance. Review status: criteria provided, multiple submitters, no conflicts (2 of 4 stars). 2 submissions from 2 submitters: Uncertain significance (2). Last evaluated 2025-08-20.

Conditions:
Inborn genetic diseases. Identifiers: MedGen C0950123, MeSH D030342.
Dyskeratosis congenita. Identifiers: Orphanet 1775, MedGen C0265965, MONDO:0015780.

Allele frequency attached by ClinVar (database versions not stated): gnomAD 0.00001; TOPMed 0.00001; gnomAD exomes 0.00004; ExAC 0.00005.

Submissions (2):

Ambry Genetics
Classification: Uncertain significance for Inborn genetic diseases. Last evaluated: 2025-08-20. Review status: criteria provided, single submitter. Criteria: Ambry Variant Classification Scheme 2023. Collection method: clinical testing. Allele origin: germline.

Labcorp Genetics (formerly Invitae), Labcorp
Classification: Uncertain significance for Dyskeratosis congenita. Last evaluated: 2025-07-21. Review status: criteria provided, single submitter. Criteria: Invitae Variant Classification Sherloc (09022015). Collection method: clinical testing. Allele origin: germline.
Comment: This sequence change replaces lysine, which is basic and polar, with arginine, which is basic and polar, at codon 343 of the CTC1 protein (p.Lys343Arg). This variant is present in population databases (rs746477108, gnomAD 0.02%). This variant has not been reported in the literature in individuals affected with CTC1-related conditions. ClinVar contains an entry for this variant (Variation ID: 1062972). Invitae Evidence Modeling of protein sequence and biophysical properties (such as structural, functional, and spatial information, amino acid conservation, physicochemical variation, residue mobility, and thermodynamic stability) indicates that this missense variant is not expected to disrupt CTC1 protein function with a negative predictive value of 80%. In summary, the available evidence is currently insufficient to determine the role of this variant in disease. Therefore, it has been classified as a Variant of Uncertain Significance.